The following is an entry in ClinVar:

NM_001042545.2(LTBP4):c.1436C>T (p.Ser479Phe)

Gene: LTBP4 (latent transforming growth factor beta binding protein 4; plus strand). Cytogenetic location: 19q13.2.
Variant type: single nucleotide variant.
Coding change: c.1436C>T on transcript NM_001042545.2 (MANE Select); coding-DNA position 1436, C replaced by T.
Protein change: p.Ser479Phe; replaces serine 479 with phenylalanine.
Molecular consequence: missense variant.
Genome position (GRCh38, 1-based): chr19:40,609,539, C>T. VCF-style: chr19-40609539-C-T. GRCh37 (hg19) VCF-style: chr19-41115445-C-T.
Other names: c.1637C>T, p.Ser546Phe (NM_001042544.1); c.1526C>T, p.Ser509Phe (NM_003573.2); short protein forms S479F, S509F, S546F.
Identifiers: ClinVar variation 1308888 (VCV001308888.2), dbSNP rs377274875, ClinGen allele CA9448315.

ClinVar aggregate classification (germline): Uncertain significance (1 of 4 stars; one submission).

Allele frequency attached by ClinVar (database versions not stated): ExAC 0.00001; ESP Exome Variant Server 0.00008; gnomAD 0.00010 and 0.00011; TOPMed 0.00013.
gnomAD v4.1: 26 of 1,612,956 alleles (0.0016%); highest among the groups gnomAD compares: African/African-American, 0.025%; no homozygotes.

Submission:

GeneDx
Classification: Uncertain significance. Last evaluated: 2019-09-30. Review status: criteria provided, single submitter. Criteria: GeneDx Variant Classification Process June 2021. Collection method: clinical testing. Allele origin: germline. Affected: yes.
Comment: Has not been previously published as pathogenic or benign to our knowledge; Not observed at a significant frequency in large population cohorts (Lek et al., 2016); In silico analysis, which includes protein predictors and evolutionary conservation, supports that this variant does not alter protein structure/function